The following is an entry in ClinVar:

ClinVar aggregate classification (germline): Pathogenic/Likely pathogenic. Review status: criteria provided, multiple submitters, no conflicts (2 of 4 stars). 2 submissions from 2 submitters: Pathogenic (1); Likely pathogenic (1). Last evaluated 2019-09-16.

Conditions:
Hereditary spastic paraplegia 12 (SPG12). Also called: SPASTIC PARAPLEGIA 12, AUTOSOMAL DOMINANT. Identifiers: Orphanet 100993, MedGen C1858106, MONDO:0011489, OMIM 604805.
Spastic paraplegia. Identifiers: MedGen C0037772, HP:0001258.

Submissions (2):

Labcorp Genetics (formerly Invitae), Labcorp
Classification: Pathogenic for Spastic paraplegia. Last evaluated: 2019-09-16. Review status: criteria provided, single submitter. Criteria: Invitae Variant Classification Sherloc (09022015). Collection method: clinical testing. Allele origin: germline.
Comment: For these reasons, this variant has been classified as Pathogenic. Loss-of-function variants in RTN2 are known to be pathogenic (PMID: 22232211, 27165006). This variant has not been reported in the literature in individuals with RTN2-related conditions. This variant is not present in population databases (ExAC no frequency). This sequence change creates a premature translational stop signal (p.Gly57Alafs*6) in the RTN2 gene. It is expected to result in an absent or disrupted protein product.

Baylor Genetics
Classification: Likely pathogenic for Hereditary spastic paraplegia 12. Last evaluated: 2019-03-27. Review status: criteria provided, single submitter. Criteria: ACMG Guidelines, 2015. Collection method: clinical testing. Allele origin: maternal. Affected: yes.
Comment: This variant was determined to be likely pathogenic according to ACMG Guidelines, 2015 [PMID:25741868].

Literature cited by the submitters: PubMed 22232211 (cited by Labcorp Genetics (formerly Invitae), Labcorp); PubMed 27165006 (cited by Labcorp Genetics (formerly Invitae), Labcorp).

NM_005619.5(RTN2):c.170del (p.Gly57fs)

Genes: RTN2 (reticulon 2; minus strand), OPA3-RTN2 (OPA3-RTN2 readthrough; minus strand). Cytogenetic location: 19q13.32.
Variant type: Deletion.
Coding change: c.170del on transcript NM_005619.5 (MANE Select); coding-DNA position 170, one base deleted (G; older notation c.170delG).
Protein change: p.Gly57fs; shifts the reading frame from glycine 57.
Molecular consequence: frameshift variant.
Genome position (GRCh38, 1-based): chr19:45,494,915, C deleted on the plus strand (G on the coding strand, the reverse complement: RTN2 is on the minus strand); the first of 4 consecutive C bases (chr19:45,494,915-45,494,918); deleting any one gives the same sequence. VCF-style (leftmost placement, unchanged base first): chr19-45494914-GC-G. GRCh37 (hg19) VCF-style: chr19-45998172-GC-G.
Other names: c.170del, p.Gly57fs (NM_206900.3); c.170delG (NM_005619.4); short protein forms G57fs.
Identifiers: ClinVar variation 933606 (VCV000933606.8), dbSNP rs1968241252, ClinGen allele CA1139666497.